The following is an entry in ClinVar:

NM_006796.3(AFG3L2):c.1040C>G (p.Thr347Ser)

Gene: AFG3L2 (AFG3 like matrix AAA peptidase subunit 2; minus strand). Cytogenetic location: 18p11.21.
Variant type: single nucleotide variant.
Coding change: c.1040C>G on transcript NM_006796.3 (MANE Select); coding-DNA position 1040, C replaced by G.
Protein change: p.Thr347Ser; replaces threonine 347 with serine.
Molecular consequence: missense variant.
Genome position (GRCh38, 1-based): chr18:12,356,818, G>C on the plus strand (C>G on the coding strand, the complement: AFG3L2 is on the minus strand). VCF-style: chr18-12356818-G-C. GRCh37 (hg19) VCF-style: chr18-12356817-G-C.
Other names: short protein forms T347S.
Identifiers: ClinVar variation 586455 (VCV000586455.8), dbSNP rs1191222406, ClinGen allele CA401953318.

ClinVar aggregate classification (germline): Uncertain significance. Review status: criteria provided, multiple submitters, no conflicts (2 of 4 stars). 3 submissions from 3 submitters: Uncertain significance (3). Last evaluated 2024-04-26.

Allele frequency attached by ClinVar (database versions not stated): gnomAD exomes below 0.00001; gnomAD 0.00001; TOPMed 0.00002.
gnomAD v4.1: 6 of 1,614,066 alleles (0.00037%); highest among the groups gnomAD compares: Admixed American, 0.0017%; no homozygotes.

Submissions (3):

Labcorp Genetics (formerly Invitae), Labcorp
Classification: Uncertain significance. Last evaluated: 2024-04-26. Review status: criteria provided, single submitter. Criteria: Invitae Variant Classification Sherloc (09022015). Collection method: clinical testing. Allele origin: germline.
Comment: This sequence change replaces threonine, which is neutral and polar, with serine, which is neutral and polar, at codon 347 of the AFG3L2 protein (p.Thr347Ser). This variant is not present in population databases (gnomAD no frequency). This variant has not been reported in the literature in individuals affected with AFG3L2-related conditions. ClinVar contains an entry for this variant (Variation ID: 586455). Advanced modeling of protein sequence and biophysical properties (such as structural, functional, and spatial information, amino acid conservation, physicochemical variation, residue mobility, and thermodynamic stability) has been performed at Invitae for this missense variant, however the output from this modeling did not meet the statistical confidence thresholds required to predict the impact of this variant on AFG3L2 protein function. In summary, the available evidence is currently insufficient to determine the role of this variant in disease. Therefore, it has been classified as a Variant of Uncertain Significance.

Women's Health and Genetics/Laboratory Corporation of America, LabCorp
Classification: Uncertain significance. Last evaluated: 2023-08-02. Review status: criteria provided, single submitter. Criteria: LabCorp Variant Classification Summary - May 2015. Collection method: clinical testing. Allele origin: germline.
Comment: Variant summary: AFG3L2 c.1040C>G (p.Thr347Ser) results in a conservative amino acid change in the encoded protein sequence. Three of five in-silico tools predict a damaging effect of the variant on protein function. The variant was absent in 251388 control chromosomes. The available data on variant occurrences in the general population are insufficient to allow any conclusion about variant significance. To our knowledge, no occurrence of c.1040C>G in individuals affected with Spinocerebellar Ataxia Type 28 and no experimental evidence demonstrating its impact on protein function have been reported. Two submitters have cited clinical-significance assessments for this variant to ClinVar after 2014. All submitters classified the variant as uncertain significance. Based on the evidence outlined above, the variant was classified as uncertain significance.

Athena Diagnostics
Classification: Uncertain significance. Last evaluated: 2018-03-28. Review status: criteria provided, single submitter. Criteria: Athena Diagnostics Criteria. Collection method: clinical testing. Allele origin: germline.